The following is an entry in ClinVar:

NM_001184.4(ATR):c.2079-3C>T

Gene: ATR (ATR checkpoint kinase; minus strand). Cytogenetic location: 3q23.
Variant type: single nucleotide variant.
Coding change: c.2079-3C>T on transcript NM_001184.4 (MANE Select); 3 bases into the intron before coding-DNA position 2079, C replaced by T.
Molecular consequence: intron variant.
Genome position (GRCh38, 1-based): chr3:142,556,142, G>A on the plus strand (C>T on the coding strand, the complement: ATR is on the minus strand). VCF-style: chr3-142556142-G-A. GRCh37 (hg19) VCF-style: chr3-142274984-G-A.
Other names: c.1887-3C>T (NM_001354579.2).
Identifiers: ClinVar variation 4763173 (VCV004763173.1).
Genomic context (GRCh38, chr3:142,556,142, plus strand): 5'-ACCAAGTATAGAAGCAAATTCTTTCTTGACAATGTCAGAATCATCTTTGACTTTATCTCT[G>A]GGGAAAAAAAAGAAAAAGTACTAAACTTTCTTGCCTAATTTTGTGGTCTAAATAGTCTTG-3'

ClinVar aggregate classification (germline): Uncertain significance (1 of 4 stars; one submission).

Submission:

Labcorp Genetics (formerly Invitae), Labcorp
Classification: Uncertain significance. Last evaluated: 2026-01-11. Review status: criteria provided, single submitter. Criteria: Invitae Variant Classification Sherloc (09022015). Collection method: clinical testing. Allele origin: germline.
Comment: This sequence change falls in intron 9 of the ATR gene. It does not directly change the encoded amino acid sequence of the ATR protein. It affects a nucleotide within the consensus splice site. This variant is not present in population databases (gnomAD no frequency). This variant has not been reported in the literature in individuals affected with ATR-related conditions. Variants that disrupt the consensus splice site are a relatively common cause of aberrant splicing (PMID: 17576681, 9536098). Algorithms developed to predict the effect of sequence changes on RNA splicing suggest that this variant is not likely to affect RNA splicing. In summary, the available evidence is currently insufficient to determine the role of this variant in disease. Therefore, it has been classified as a Variant of Uncertain Significance.

Literature cited by the submitters: PubMed 17576681; PubMed 9536098.